The following is an entry in ClinVar:

NM_002224.4(ITPR3):c.2744G>T (p.Arg915Leu)

Gene: ITPR3 (inositol 1,4,5-trisphosphate receptor type 3; plus strand). Cytogenetic location: 6p21.31.
Variant type: single nucleotide variant.
Coding change: c.2744G>T on transcript NM_002224.4 (MANE Select); coding-DNA position 2744, G replaced by T.
Protein change: p.Arg915Leu; replaces arginine 915 with leucine.
Molecular consequence: missense variant.
Genome position (GRCh38, 1-based): chr6:33,672,044, G>T. VCF-style: chr6-33672044-G-T. GRCh37 (hg19) VCF-style: chr6-33639821-G-T.
Other names: short protein forms R915L.
Identifiers: ClinVar variation 4088827 (VCV004088827.2).

ClinVar aggregate classification (germline): Conflicting classifications of pathogenicity. Review status: criteria provided, conflicting classifications (1 of 4 stars). 2 submissions from 2 submitters: Uncertain significance (1); Likely benign (1). Last evaluated 2026-03-19.

Conditions:
ITPR3-related disorder. Also called: ITPR3-related condition.

gnomAD v4.1: 311 of 1,606,190 alleles (0.019%); highest among the groups gnomAD compares: Middle Eastern, 0.22%; 1 homozygote.

Submissions (2):

PreventionGenetics, part of Exact Sciences
Classification: Likely benign for ITPR3-related condition. Last evaluated: 2026-03-19. Review status: criteria provided, single submitter. Criteria: ACMG Guidelines, 2015. Collection method: clinical testing. Allele origin: germline.
Comment: This variant is classified as likely benign based on ACMG/AMP sequence variant interpretation guidelines (Richards et al. 2015 PMID: 25741868, with internal and published modifications).

Ambry Genetics
Classification: Uncertain significance. Last evaluated: 2025-08-12. Review status: criteria provided, single submitter. Criteria: Ambry Variant Classification Scheme 2023. Collection method: clinical testing. Allele origin: germline.